The following is an entry in ClinVar:

ClinVar aggregate classification (germline): Likely benign (1 of 4 stars; one submission).

Conditions:
BBS9-related disorder. Also called: BBS9-related condition.

gnomAD v4.1: 1 of 1,613,338 alleles (0.000062%); highest among the groups gnomAD compares: South Asian, 0.0011%; no homozygotes.

Submission:

PreventionGenetics, part of Exact Sciences
Classification: Likely benign for BBS9-related condition. Last evaluated: 2026-05-18. Review status: criteria provided, single submitter. Criteria: ACMG Guidelines, 2015. Collection method: clinical testing. Allele origin: germline.
Comment: This variant is classified as likely benign based on ACMG/AMP sequence variant interpretation guidelines (Richards et al. 2015 PMID: 25741868, with internal and published modifications).

NM_198428.3(BBS9):c.1494A>T (p.Ser498=)

Gene: BBS9 (Bardet-Biedl syndrome 9; plus strand). Cytogenetic location: 7p14.3.
Variant type: single nucleotide variant.
Coding change: c.1494A>T on transcript NM_198428.3 (MANE Select); coding-DNA position 1494, A replaced by T.
Protein change: p.Ser498=; no amino-acid change (serine 498 retained).
Molecular consequence: synonymous variant. On other transcripts: non-coding transcript variant (3), intron variant (5).
Genome position (GRCh38, 1-based): chr7:33,351,280, A>T. VCF-style: chr7-33351280-A-T. GRCh37 (hg19) VCF-style: chr7-33390892-A-T.
Other names: c.1494A>T, p.Ser498= (NM_001033605.2, NM_001348036.1, NM_001348041.4 and 2 more transcripts); c.1128A>T, p.Ser376= (NM_001348037.3, NM_001348045.3, NM_001348046.3); c.1221A>T, p.Ser407= (NM_001348038.3); c.1359A>T, p.Ser453= (NM_001348042.3); c.1160-1579A>T (NM_001348039.3); c.1433-1579A>T (NM_001033604.2); c.1432+2110A>T (NM_014451.4, NM_001348040.3); c.1067-1579A>T (NM_001348044.3).
Identifiers: ClinVar variation 4980113 (VCV004980113.1).
Genomic context (GRCh38, chr7:33,351,280, plus strand): 5'-ACCAGATTTGACTAGAACAGTAAGCTTTTCTGTTTATCTGAAAAGAAGTTATACACCATC[A>T]GAATTGGAAGGAAATGCTGTTGTTTCTTATTCCAGACCAACAGGTAAACATACAGGCTTA-3'
Protein context (NP_940820.1, residues 488-508): SVYLKRSYTP[Ser498=]ELEGNAVVSY